The following is an entry in ClinVar:

NM_015693.4(INTU):c.1346A>C (p.His449Pro)

Genes: INTU (inturned planar cell polarity protein; plus strand), LOC126807151 (CDK7 strongly-dependent group 2 enhancer GRCh37_chr4:128607842-128609041; plus strand). Cytogenetic location: 4q28.1.
Variant type: single nucleotide variant.
Coding change: c.1346A>C on transcript NM_015693.4 (MANE Select); coding-DNA position 1346, A replaced by C.
Protein change: p.His449Pro; replaces histidine 449 with proline.
Molecular consequence: missense variant.
Genome position (GRCh38, 1-based): chr4:127,687,764, A>C. VCF-style: chr4-127687764-A-C. GRCh37 (hg19) VCF-style: chr4-128608919-A-C.
Other names: short protein forms H449P.
Identifiers: ClinVar variation 2873731 (VCV002873731.3), dbSNP rs1560864016, ClinGen allele CA358147383.
Genomic context (GRCh38, chr4:127,687,764, plus strand): 5'-CTCGTTTGGATCATTTTTTTAACTTGTTCTTTCAAAGAGCACTTCAGCCTGCGAAACTGC[A>C]TTCCAGCGCCAGTCCCAGTGCTCAGCAGTACGATGCTTCCAGTGCAGTACTTTTAGACAA-3'
Protein context (NP_056508.2, residues 439-459): FQRALQPAKL[His449Pro]SSASPSAQQY

ClinVar aggregate classification (germline): Uncertain significance (1 of 4 stars; one submission).

gnomAD v4.1: 1 of 1,613,620 alleles (0.000062%); no homozygotes.

Submission:

Labcorp Genetics (formerly Invitae), Labcorp
Classification: Uncertain significance. Last evaluated: 2023-07-03. Review status: criteria provided, single submitter. Criteria: Invitae Variant Classification Sherloc (09022015). Collection method: clinical testing. Allele origin: germline.
Comment: In summary, the available evidence is currently insufficient to determine the role of this variant in disease. Therefore, it has been classified as a Variant of Uncertain Significance. Advanced modeling of protein sequence and biophysical properties (such as structural, functional, and spatial information, amino acid conservation, physicochemical variation, residue mobility, and thermodynamic stability) performed at Invitae indicates that this missense variant is not expected to disrupt INTU protein function. This variant has not been reported in the literature in individuals affected with INTU-related conditions. This variant is not present in population databases (gnomAD no frequency). This sequence change replaces histidine, which is basic and polar, with proline, which is neutral and non-polar, at codon 449 of the INTU protein (p.His449Pro).